The following is an entry in ClinVar:

NM_000807.4(GABRA2):c.1059+5580C>T

Gene: GABRA2 (gamma-aminobutyric acid type A receptor subunit alpha2; minus strand). Cytogenetic location: 4p12.
Variant type: single nucleotide variant.
Coding change: c.1059+5580C>T on transcript NM_000807.4 (MANE Select); 5580 bases into the intron after coding-DNA position 1059, C replaced by T.
Molecular consequence: intron variant. On other transcripts: missense variant (4).
Genome position (GRCh38, 1-based): chr4:46,256,346, G>A on the plus strand (C>T on the coding strand, the complement: GABRA2 is on the minus strand). VCF-style: chr4-46256346-G-A. GRCh37 (hg19) VCF-style: chr4-46258363-G-A.
Other names: c.1059+5580C>T (NM_001377147.1, NM_001377148.1, NM_001377149.1 and 4 more transcripts); c.894+5580C>T (NM_001377153.1, NM_001377154.1, NM_001377152.1); c.923C>T, p.Thr308Ile (NM_001286827.3); c.1088C>T, p.Thr363Ile (NM_001330690.2, NM_001377144.1, NM_001377145.1); short protein forms T363I, T308I.
Identifiers: ClinVar variation 3726056 (VCV003726056.2).
Genomic context (GRCh38, chr4:46,256,346, plus strand): 5'-TACTTGGACCATATTAGCTTAGCTCCTTGAAGAATTGCTTTCACTGAGTTGTATGTTAAT[G>A]TAATGCCTTCAGCTTTTATTGAAGGGGACTACAAGAAACATCAATATGAAATCCATTATT-3'

ClinVar aggregate classification (germline): Uncertain significance (1 of 4 stars; one submission).

Submission:

Labcorp Genetics (formerly Invitae), Labcorp
Classification: Uncertain significance. Last evaluated: 2024-11-25. Review status: criteria provided, single submitter. Criteria: Invitae Variant Classification Sherloc (09022015). Collection method: clinical testing. Allele origin: germline.
Comment: This sequence change replaces threonine, which is neutral and polar, with isoleucine, which is neutral and non-polar, at codon 363 of the GABRA2 protein (p.Thr363Ile). This variant is not present in population databases (gnomAD no frequency). This variant has not been reported in the literature in individuals affected with GABRA2-related conditions. An algorithm developed to predict the effect of missense changes on protein structure and function (PolyPhen-2) suggests that this variant is likely to be disruptive. In summary, the available evidence is currently insufficient to determine the role of this variant in disease. Therefore, it has been classified as a Variant of Uncertain Significance.